The following is an entry in ClinVar:

NM_000352.6(ABCC8):c.1332+3A>G

Gene: ABCC8 (ATP binding cassette subfamily C member 8; minus strand). Cytogenetic location: 11p15.1.
Variant type: single nucleotide variant.
Coding change: c.1332+3A>G on transcript NM_000352.6 (MANE Select); 3 bases into the intron after coding-DNA position 1332, A replaced by G.
Molecular consequence: intron variant.
Genome position (GRCh38, 1-based): chr11:17,448,513, T>C on the plus strand (A>G on the coding strand, the complement: ABCC8 is on the minus strand). VCF-style: chr11-17448513-T-C. GRCh37 (hg19) VCF-style: chr11-17470060-T-C.
Other names: c.1329+3A>G (NM_001351297.2, NM_001351296.2); c.1332+3A>G (NM_001351295.2, NM_001287174.3).
Identifiers: ClinVar variation 2502193 (VCV002502193.2), dbSNP rs1956629415, ClinGen allele CA2580615639.

ClinVar aggregate classification (germline): Uncertain significance (1 of 4 stars; one submission).

Conditions:
Hyperinsulinemic hypoglycemia, familial, 1 (HHF1). Also called: NESIDIOBLASTOSIS OF PANCREAS; HYPERINSULINISM, FAMILIAL, WITH PANCREATIC NESIDIOBLASTOSIS; HYPOGLYCEMIA, HYPERINSULINEMIC, OF INFANCY; Persistent hyperinsulinemic hypoglycemia of infancy; Persistent Hyperinsulinemia Hypoglycemia of Infancy. Identifiers: Orphanet 276575, Orphanet 276598, MedGen C2931832, MONDO:0009734, OMIM 256450.

Submission:

New York Genome Center
Classification: Uncertain significance for Hyperinsulinemic hypoglycemia, familial, 1; Type 2 diabetes mellitus. Last evaluated: 2022-07-11. Review status: criteria provided, single submitter. Criteria: NYGC Assertion Criteria 2020. Collection method: clinical testing. Allele origin: germline. Observed: 1 heterozygote.
Comment: The c.1332+3A>G variant in the ABCC8 has previously been reported in homozygous state in an individual with congenital hyperinsulinism [PMID: 32027066] and has not been reported in the public variant repositories (ClinVar and LOVD). The c.1332+3A>G variant is absent from population databases (gnomAD v2.1.1 and v3.1.2,TOPMed Freeze 8, All of Us), suggesting it is not a common benign variant in the populations represented in those databases. The c.1332+3A>G variant in the ABCC8 is located in the splice region preceding exon 8 of this 39-exon gene. The in-silico algorithms predict this variant might affect mRNA splicing, however, there are no functional studies to support or refute this prediction. Based on available evidence the c.1332+3A>G variant identified in the ABCC8 is classified as a Variant of Uncertain Significance.